The following is an entry in ClinVar:

ClinVar aggregate classification (germline): Benign/Likely benign. Review status: criteria provided, multiple submitters, no conflicts (2 of 4 stars). 10 submissions from 10 submitters: Benign (5); Likely benign (3). 2 of the submissions do not count toward it. Last evaluated 2026-09-01.

Conditions:
TK2-related disorder. Also called: TK2-related condition.
Mitochondrial disease. Also called: Mitochondrial disorder; Mitochondrial disorders. Identifiers: Orphanet 68380, MedGen C0751651, MeSH D028361, MONDO:0044970.
Mitochondrial DNA depletion syndrome, myopathic form (MTDPS2). Also called: MITOCHONDRIAL DNA DEPLETION SYNDROME 2 (MYOPATHIC TYPE); MITOCHONDRIAL DNA DEPLETION MYOPATHY, TK2-RELATED; TK2-Related Mitochondrial DNA Maintenance Defect, Myopathic Form. Identifiers: Orphanet 254875, MedGen C3149750, MONDO:0012301, OMIM 609560.

Allele frequency attached by ClinVar (database versions not stated): 1000 Genomes Project 30x 0.00203; 1000 Genomes Project 0.00240; TOPMed 0.00391; gnomAD 0.00606 and 0.00636; gnomAD exomes 0.00721 and 0.00727; ExAC 0.01581.
gnomAD v4.1: 10,267 of 1,461,434 alleles (0.7%); highest among the groups gnomAD compares: Non-Finnish European, 0.75%; 54 homozygotes.

Submissions (10):

CeGaT Center for Human Genetics Tuebingen
Classification: Likely benign. Last evaluated: 2026-09-01. Review status: criteria provided, single submitter. Criteria: CeGaT Center For Human Genetics Tuebingen Variant Classification Criteria Version 2. Collection method: clinical testing. Allele origin: germline. Affected: yes. Observed: 31 variant alleles.
Comment: TK2: BS2

Labcorp Genetics (formerly Invitae), Labcorp
Classification: Benign. Last evaluated: 2026-02-02. Review status: criteria provided, single submitter. Criteria: Invitae Variant Classification Sherloc (09022015). Collection method: clinical testing. Allele origin: germline.

Genomenon, Inc
Classification: Benign for Mitochondrial disease. Last evaluated: 2025-11-24. Review status: criteria provided, single submitter. Criteria: Genomenon Sequence Variant Interpretation Standards - Updated. Collection method: curation. Allele origin: germline. Affected: no.
Comment: TK2 p.Arg32Trp (c.94C>T) is a missense variant that changes the amino acid at residue 32 from Arginine to Tryptophan. This variant is present at a high allele frequency in gnomAD. In conclusion, we classify TK2 p.Arg32Trp (c.94C>T) as a benign variant.

Blueprint Genetics
Classification: Likely benign. Last evaluated: 2024-11-26. Review status: criteria provided, single submitter. Criteria: ACMG Guidelines, 2015. Collection method: clinical testing. Allele origin: germline.

ARUP Laboratories, Molecular Genetics and Genomics, ARUP Laboratories
Classification: Benign. Last evaluated: 2020-04-30. Review status: criteria provided, single submitter. Criteria: ARUP Molecular Germline Variant Investigation Process. Collection method: clinical testing. Allele origin: germline.

GeneDx
Classification: Benign. Last evaluated: 2018-03-12. Review status: criteria provided, single submitter. Criteria: GeneDx Variant Classification (06012015). Collection method: clinical testing. Allele origin: germline. Affected: yes.
Comment: This variant is considered likely benign or benign based on one or more of the following criteria: it is a conservative change, it occurs at a poorly conserved position in the protein, it is predicted to be benign by multiple in silico algorithms, and/or has population frequency not consistent with disease.

Illumina Laboratory Services, Illumina
Classification: Benign for Mitochondrial DNA depletion syndrome, myopathic form. Last evaluated: 2018-01-13. Review status: criteria provided, single submitter. Criteria: ICSL Variant Classification Criteria 13 December 2019. Collection method: clinical testing. Allele origin: germline.
Comment: This variant was observed in the ICSL laboratory as part of a predisposition screen in an ostensibly healthy population. It had not been previously curated by ICSL or reported in the Human Gene Mutation Database (HGMD: prior to June 1st, 2018), and was therefore a candidate for classification through an automated scoring system. Utilizing variant allele frequency, disease prevalence and penetrance estimates, and inheritance mode, an automated score was calculated to assess if this variant is too frequent to cause the disease. Based on the score and internal cut-off values, a variant classified as benign is not then subjected to further curation. The score for this variant resulted in a classification of benign for this disease.

Athena Diagnostics
Classification: Likely benign. Last evaluated: 2017-07-07. Review status: criteria provided, single submitter. Criteria: Athena Diagnostics Criteria. Collection method: clinical testing. Allele origin: germline.

PreventionGenetics, part of Exact Sciences
Classification: Benign for TK2-related condition. Last evaluated: 2019-05-02. Review status: no assertion criteria provided. Collection method: clinical testing. Allele origin: germline. Not counted in ClinVar's aggregate classification.
Comment: This variant is classified as benign based on ACMG/AMP sequence variant interpretation guidelines (Richards et al. 2015 PMID: 25741868, with internal and published modifications).

Mayo Clinic Laboratories, Mayo Clinic
Classification: Likely benign. Last evaluated: 2016-02-23. Review status: no assertion criteria provided. Collection method: clinical testing. Allele origin: unknown. Not counted in ClinVar's aggregate classification.

Literature cited by the submitters: PubMed 23963299 (cited by Athena Diagnostics).

NM_004614.5(TK2):c.94C>T (p.Arg32Trp)

Genes: TK2 (thymidine kinase 2; minus strand), LOC130059156 (ATAC-STARR-seq lymphoblastoid silent region 7560; plus strand). Cytogenetic location: 16q21.
Variant type: single nucleotide variant.
Coding change: c.94C>T on transcript NM_004614.5 (MANE Select); coding-DNA position 94, C replaced by T.
Protein change: p.Arg32Trp; replaces arginine 32 with tryptophan.
Molecular consequence: missense variant. On other transcripts: 5 prime UTR variant (2), non-coding transcript variant (1), intron variant (2).
Genome position (GRCh38, 1-based): chr16:66,549,968, G>A on the plus strand (C>T on the coding strand, the complement: TK2 is on the minus strand). VCF-style: chr16-66549968-G-A. GRCh37 (hg19) VCF-style: chr16-66583871-G-A.
Other names: p.R32W:CGG>TGG; c.94C>T, p.Arg32Trp (NM_001172644.2, NM_001172645.2); c.-149C>T (NM_001271934.2); c.-559C>T (NM_001272050.2); c.31+285C>T (NM_001271935.1, NM_001172643.1); short protein forms R32W.
Identifiers: ClinVar variation 215261 (VCV000215261.51), dbSNP rs200121712, ClinGen allele CA323868.